The following is an entry in ClinVar:

ClinVar aggregate classification (germline): Likely benign (1 of 4 stars; one submission).

Submission:

Women's Health and Genetics/Laboratory Corporation of America, LabCorp
Classification: Likely benign. Last evaluated: 2023-12-07. Review status: criteria provided, single submitter. Criteria: LabCorp Variant Classification Summary - May 2015. Collection method: clinical testing. Allele origin: germline.
Comment: Variant summary: DHTKD1 c.2659-17C>G alters a nucleotide located at a position not widely known to affect splicing. Consensus agreement among computation tools predict no significant impact on normal splicing. However, these predictions have yet to be confirmed by functional studies. The variant was absent in 251408 control chromosomes (gnomAD). The available data on variant occurrences in the general population are insufficient to allow any conclusion about variant significance. To our knowledge, no occurrence of c.2659-17C>G in individuals affected with 2-Aminoadipic 2-Oxoadipic Aciduria and no experimental evidence demonstrating its impact on protein function have been reported. No submitters have cited clinical-significance assessments for this variant to ClinVar after 2014. Based on the evidence outlined above, the variant was classified as likely benign.

NM_018706.7(DHTKD1):c.2659-17C>G

Gene: DHTKD1 (dehydrogenase E1 and transketolase domain containing 1; plus strand). Cytogenetic location: 10p14.
Variant type: single nucleotide variant.
Coding change: c.2659-17C>G on transcript NM_018706.7 (MANE Select); 17 bases into the intron before coding-DNA position 2659, C replaced by G.
Molecular consequence: intron variant.
Genome position (GRCh38, 1-based): chr10:12,120,770, C>G. VCF-style: chr10-12120770-C-G. GRCh37 (hg19) VCF-style: chr10-12162769-C-G.
Identifiers: ClinVar variation 2691511 (VCV002691511.1), dbSNP rs761853050, ClinGen allele CA2697558285.